The following is an entry in ClinVar:

NC_000016.9:g.(?_28488837)_(28503080_?)del

Gene: CLN3 (CLN3 lysosomal/endosomal transmembrane protein, battenin; minus strand). Cytogenetic location: 16p11.2.
Variant type: Deletion.
Identifiers: ClinVar variation 3243303 (VCV003243303.1).

ClinVar aggregate classification (germline): Pathogenic (1 of 4 stars; one submission).

Conditions:
Neuronal ceroid lipofuscinosis. Also called: Neuronal Ceroid Lipofuscinoses. Identifiers: Orphanet 216, Orphanet 79263, MedGen C0027877, MONDO:0016295. Disease mechanism: loss of function.

Submission:

Labcorp Genetics (formerly Invitae), Labcorp
Classification: Pathogenic for Neuronal ceroid lipofuscinosis. Last evaluated: 2023-11-07. Review status: criteria provided, single submitter. Criteria: Invitae Variant Classification Sherloc (09022015). Collection method: clinical testing. Allele origin: unknown.
Comment: A gross deletion of the genomic region encompassing the full coding sequence of the CLN3 gene has been identified. Loss-of-function variants in CLN3 are known to be pathogenic (PMID: 9311735, 28542676). The boundaries of this event are unknown as they extend beyond the assayed region for this gene and therefore may encompass additional genes. This variant has not been reported in the literature in individuals affected with CLN3-related conditions. For these reasons, this variant has been classified as Pathogenic.

Literature cited by the submitters: PubMed 9311735; PubMed 28542676.